The following is an entry in ClinVar:

NM_012414.4(RAB3GAP2):c.1589G>A (p.Gly530Glu)

Gene: RAB3GAP2 (RAB3 GTPase activating non-catalytic protein subunit 2; minus strand). Cytogenetic location: 1q41.
Variant type: single nucleotide variant.
Coding change: c.1589G>A on transcript NM_012414.4 (MANE Select); coding-DNA position 1589, G replaced by A.
Protein change: p.Gly530Glu; replaces glycine 530 with glutamic acid.
Molecular consequence: missense variant.
Genome position (GRCh38, 1-based): chr1:220,190,419, C>T on the plus strand (G>A on the coding strand, the complement: RAB3GAP2 is on the minus strand). VCF-style: chr1-220190419-C-T. GRCh37 (hg19) VCF-style: chr1-220363761-C-T.
Other names: short protein forms G530E.
Identifiers: ClinVar variation 875202 (VCV000875202.5), dbSNP rs749859259, ClinGen allele CA1402670.
Genomic context (GRCh38, chr1:220,190,419, plus strand): 5'-ACACTGGACACACCTTACCTCAGTGCTAAATGGAAGGGAACGTTCACTGTTTTCACACTT[C>T]CAGACACTGGATCAACCAGACAGATCTGATAAGTCTGTGGCTGCCAACTCTGACTGGTAA-3'
Protein context (NP_036546.2, residues 520-540): YQICLVDPVS[Gly530Glu]SVKTVNVPFH

ClinVar aggregate classification (germline): Uncertain significance. Review status: criteria provided, multiple submitters, no conflicts (2 of 4 stars). 3 submissions from 2 submitters: Uncertain significance (3). Last evaluated 2026-03-22.

Conditions:
Warburg micro syndrome 2 (WARBM2). Also called: MICRO SYNDROME 2. Identifiers: Orphanet 2510, MedGen C3280214, MONDO:0013641, OMIM 614225.
Martsolf syndrome (MARTS). Also called: Congenital cataract with intellectual disability and hypogonadotropic hypogonadism syndrome. Identifiers: Orphanet 1387, MedGen C0796037, MONDO:0023910.

Allele frequency attached by ClinVar (database versions not stated): TOPMed 0.00001; gnomAD 0.00002; gnomAD exomes 0.00007 and 0.00004; ExAC 0.00003.
gnomAD v4.1: 104 of 1,613,974 alleles (0.0064%); highest among the groups gnomAD compares: Non-Finnish European, 0.0083%; no homozygotes.

Submissions (3):

GeneDx
Classification: Uncertain significance. Last evaluated: 2026-03-22. Review status: criteria provided, single submitter. Criteria: GeneDx Variant Classification Process June 2021. Collection method: clinical testing. Allele origin: germline.
Comment: In silico analysis supports that this missense variant has a deleterious effect on protein structure/function; Has not been previously published as pathogenic or benign to our knowledge

Illumina Laboratory Services, Illumina
Classification: Uncertain significance for Warburg micro syndrome 2. Last evaluated: 2018-02-02. Review status: criteria provided, single submitter. Criteria: ICSL Variant Classification Criteria 13 December 2019. Collection method: clinical testing. Allele origin: germline.

Illumina Laboratory Services, Illumina
Classification: Uncertain significance for Martsolf syndrome 1. Last evaluated: 2018-02-02. Review status: criteria provided, single submitter. Criteria: ICSL Variant Classification Criteria 13 December 2019. Collection method: clinical testing. Allele origin: germline.